The following is an entry in ClinVar:

ClinVar aggregate classification (germline): Uncertain significance. Review status: criteria provided, multiple submitters, no conflicts (2 of 4 stars). 2 submissions from 2 submitters: Uncertain significance (2). Last evaluated 2025-06-07.

Conditions:
Inborn genetic diseases. Identifiers: MedGen C0950123, MeSH D030342.

gnomAD v4.1: 2 of 1,609,590 alleles (0.00012%); highest among the groups gnomAD compares: Admixed American, 0.0017%; no homozygotes.

Submissions (2):

Ambry Genetics
Classification: Uncertain significance for Inborn genetic diseases. Last evaluated: 2025-06-07. Review status: criteria provided, single submitter. Criteria: Ambry Variant Classification Scheme 2023. Collection method: clinical testing. Allele origin: germline.

CeGaT Center for Human Genetics Tuebingen
Classification: Uncertain significance. Last evaluated: 2024-10-01. Review status: criteria provided, single submitter. Criteria: CeGaT Center For Human Genetics Tuebingen Variant Classification Criteria Version 2. Collection method: clinical testing. Allele origin: germline. Affected: yes. Observed: 1 variant allele.
Comment: ATP6V0A2: PM2, BP4

NM_012463.4(ATP6V0A2):c.82G>T (p.Ala28Ser)

Genes: ATP6V0A2 (ATPase H+ transporting V0 subunit a2; plus strand), LOC130009117 (ATAC-STARR-seq lymphoblastoid silent region 5049; plus strand). Cytogenetic location: 12q24.31.
Variant type: single nucleotide variant.
Coding change: c.82G>T on transcript NM_012463.4 (MANE Select); coding-DNA position 82, G replaced by T.
Protein change: p.Ala28Ser; replaces alanine 28 with serine.
Molecular consequence: missense variant.
Genome position (GRCh38, 1-based): chr12:123,712,647, G>T. VCF-style: chr12-123712647-G-T. GRCh37 (hg19) VCF-style: chr12-124197194-G-T.
Other names: c.82G>T (NM_012463.3); short protein forms A28S.
Identifiers: ClinVar variation 3389868 (VCV003389868.14).